The following is an entry in ClinVar:

NM_001378969.1(KCND3):c.1622G>A (p.Gly541Asp)

Gene: KCND3 (potassium voltage-gated channel subfamily D member 3; minus strand). Cytogenetic location: 1p13.2.
Variant type: single nucleotide variant.
Coding change: c.1622G>A on transcript NM_001378969.1 (MANE Select); coding-DNA position 1622, G replaced by A.
Protein change: p.Gly541Asp; replaces glycine 541 with aspartic acid.
Molecular consequence: missense variant.
Genome position (GRCh38, 1-based): chr1:111,777,170, C>T on the plus strand (G>A on the coding strand, the complement: KCND3 is on the minus strand). VCF-style: chr1-111777170-C-T. GRCh37 (hg19) VCF-style: chr1-112319792-C-T.
Other names: c.1565G>A, p.Gly522Asp (NM_001378970.1, NM_172198.3); c.1622G>A, p.Gly541Asp (NM_004980.5); short protein forms G522D, G541D.
Identifiers: ClinVar variation 1776632 (VCV001776632.2), dbSNP rs2524994655, ClinGen allele CA341657189.
Genomic context (GRCh38, chr1:111,777,170, plus strand): 5'-TTAGAATTGGGCAGGTGTGTGGTCTTCTTACTACGACGGGAGCAGCAGGTGGTAGTGAGG[C>T]CTGGGTGGCTGGACAGTGAGGGACTTCTTGTGGATGGGTAGTTCTGCATTGAACTCTCCA-3'
Protein context (NP_001365898.1, residues 531-551): TRSPSLSSHP[Gly541Asp]LTTTCCSRRS

ClinVar aggregate classification (germline): Uncertain significance (1 of 4 stars; one submission).

Conditions:
Cardiovascular phenotype. Identifiers: MedGen CN230736.

Submission:

Ambry Genetics
Classification: Uncertain significance for Cardiovascular phenotype. Last evaluated: 2022-05-20. Review status: criteria provided, single submitter. Criteria: Ambry Variant Classification Scheme 2023. Collection method: clinical testing. Allele origin: germline.
Comment: The p.G541D variant (also known as c.1622G>A), located in coding exon 6 of the KCND3 gene, results from a G to A substitution at nucleotide position 1622. The glycine at codon 541 is replaced by aspartic acid, an amino acid with similar properties. This amino acid position is conserved. In addition, the in silico prediction for this alteration is inconclusive. Since supporting evidence is limited at this time, the clinical significance of this alteration remains unclear.